The following is an entry in ClinVar:

NM_017882.3(CLN6):c.41G>A (p.Gly14Asp)

Gene: CLN6 (CLN6 transmembrane ER protein; minus strand). Cytogenetic location: 15q23.
Variant type: single nucleotide variant.
Coding change: c.41G>A on transcript NM_017882.3 (MANE Select); coding-DNA position 41, G replaced by A.
Protein change: p.Gly14Asp; replaces glycine 14 with aspartic acid.
Molecular consequence: missense variant.
Genome position (GRCh38, 1-based): chr15:68,229,544, C>T on the plus strand (G>A on the coding strand, the complement: CLN6 is on the minus strand). VCF-style: chr15-68229544-C-T. GRCh37 (hg19) VCF-style: chr15-68521882-C-T.
Other names: short protein forms G14D.
Identifiers: ClinVar variation 579778 (VCV000579778.14), dbSNP rs994590268, ClinGen allele CA272398354.
Genomic context (GRCh38, chr15:68,229,544, plus strand): 5'-ACCCCGGCGCGCGCCCACCTGGCCTGCAGGAAGGAGGCGCCCAGCTGCGCGCCTGGGCCG[C>T]CCGTCGCTCCCAGGTGCTGCCGCCTCCGCGTCGCCTCCATGGCTGCCCCGCAGGCCCCTC-3'
Protein context (NP_060352.1, residues 4-24): TRRRQHLGAT[Gly14Asp]GPGAQLGASF

ClinVar aggregate classification (germline): Uncertain significance. Review status: criteria provided, multiple submitters, no conflicts (2 of 4 stars). 5 submissions from 5 submitters: Uncertain significance (5). Last evaluated 2025-01-16.

Conditions:
Adult neuronal ceroid lipofuscinosis. Also called: Kufs disease. Identifiers: Orphanet 228340, Orphanet 79262, MedGen C0022797, MONDO:0019260.
Ceroid lipofuscinosis, neuronal, 6A. Also called: CLN6-Related Neuronal Ceroid-Lipofuscinosis; Neuronal ceroid lipofuscinosis, Gypsy/Indian early juvenile variant; Neuronal ceroid lipofuscinosis 6; Neuronal ceroid lipofuscinosis, late infantile, variant. Identifiers: Orphanet 168491, Orphanet 228363, MedGen C5551375, MONDO:0011144, OMIM 601780.
Inborn genetic diseases. Identifiers: MedGen C0950123, MeSH D030342.
Neuronal ceroid lipofuscinosis. Also called: Neuronal Ceroid Lipofuscinoses. Identifiers: Orphanet 216, Orphanet 79263, MedGen C0027877, MONDO:0016295. Disease mechanism: loss of function.

Allele frequency attached by ClinVar (database versions not stated): TOPMed 0.00009; gnomAD 0.00010 and 0.00011; gnomAD exomes 0.00011.

Submissions (5):

Ambry Genetics
Classification: Uncertain significance for Inborn genetic diseases. Last evaluated: 2025-01-16. Review status: criteria provided, single submitter. Criteria: Ambry Variant Classification Scheme 2023. Collection method: clinical testing. Allele origin: germline.

GeneDx
Classification: Uncertain significance. Last evaluated: 2024-12-28. Review status: criteria provided, single submitter. Criteria: GeneDx Variant Classification Process June 2021. Collection method: clinical testing. Allele origin: germline. Affected: yes.
Comment: In silico analysis supports that this missense variant has a deleterious effect on protein structure/function; Has not been previously published as pathogenic or benign to our knowledge

Labcorp Genetics (formerly Invitae), Labcorp
Classification: Uncertain significance for Neuronal ceroid lipofuscinosis. Last evaluated: 2022-09-30. Review status: criteria provided, single submitter. Criteria: Invitae Variant Classification Sherloc (09022015). Collection method: clinical testing. Allele origin: germline.
Comment: This sequence change replaces glycine, which is neutral and non-polar, with aspartic acid, which is acidic and polar, at codon 14 of the CLN6 protein (p.Gly14Asp). This variant is present in population databases (no rsID available, gnomAD 0.02%). This variant has not been reported in the literature in individuals affected with CLN6-related conditions. ClinVar contains an entry for this variant (Variation ID: 579778). Advanced modeling of protein sequence and biophysical properties (such as structural, functional, and spatial information, amino acid conservation, physicochemical variation, residue mobility, and thermodynamic stability) performed at Invitae indicates that this missense variant is expected to disrupt CLN6 protein function. In summary, the available evidence is currently insufficient to determine the role of this variant in disease. Therefore, it has been classified as a Variant of Uncertain Significance.

Fulgent Genetics
Classification: Uncertain significance for Ceroid lipofuscinosis, neuronal, 6B (Kufs type); Ceroid lipofuscinosis, neuronal, 6A. Last evaluated: 2018-10-31. Review status: criteria provided, single submitter. Criteria: ACMG Guidelines, 2015. Collection method: clinical testing. Allele origin: unknown.

Illumina Laboratory Services, Illumina
Classification: Uncertain significance for Neuronal ceroid lipofuscinosis. Last evaluated: 2018-01-13. Review status: criteria provided, single submitter. Criteria: ICSL Variant Classification Criteria 13 December 2019. Collection method: clinical testing. Allele origin: germline.